The following is an entry in ClinVar:

ClinVar aggregate classification (germline): Uncertain significance (1 of 4 stars; one submission).

Conditions:
Malignant hyperthermia, susceptibility to, 1 (MHS1). Also called: RYR1-Related Malignant Hyperthermia Susceptibility; Malignant hyperthermia suceptibility 1; Anesthesia related hyperthermia; Malignant hyperpyrexia; Fulminating hyperpyrexia; Pharmacogenic myopathy. Identifiers: Orphanet 423, MedGen C2930980, MONDO:0007783, OMIM 145600.

Submission:

Color Diagnostics, LLC DBA Color Health
Classification: Uncertain significance for Malignant hyperthermia, susceptibility to, 1. Last evaluated: 2025-06-17. Review status: criteria provided, single submitter. Criteria: ACMG Guidelines, 2015. Collection method: clinical testing. Allele origin: germline.
Comment: This missense variant replaces leucine with methionine at codon 2894 of the RYR1 protein. Computational prediction suggests that this variant may not impact protein structure and function. To our knowledge, functional studies have not been reported for this variant. This variant has not been reported in individuals affected with RYR1-related disorders in the literature. This variant has not been identified in the general population by the Genome Aggregation Database (gnomAD). The available evidence is insufficient to determine the role of this variant in disease conclusively. Therefore, this variant is classified as a Variant of Uncertain Significance.

NM_000540.3(RYR1):c.8680C>A (p.Leu2894Met)

Gene: RYR1 (ryanodine receptor 1; plus strand). Cytogenetic location: 19q13.2.
Variant type: single nucleotide variant.
Coding change: c.8680C>A on transcript NM_000540.3 (MANE Select); coding-DNA position 8680, C replaced by A.
Protein change: p.Leu2894Met; replaces leucine 2894 with methionine.
Molecular consequence: missense variant.
Genome position (GRCh38, 1-based): chr19:38,506,534, C>A. VCF-style: chr19-38506534-C-A. GRCh37 (hg19) VCF-style: chr19-38997174-C-A.
Other names: c.8680C>A, p.Leu2894Met (NM_001042723.2); short protein forms L2894M.
Identifiers: ClinVar variation 4758769 (VCV004758769.1).